The following is an entry in ClinVar:

NM_002439.5(MSH3):c.1006A>G (p.Lys336Glu)

Genes: MSH3 (mutS homolog 3; plus strand), LOC126807437 (MED14-independent group 3 enhancer GRCh37_chr5:79968379-79969578; plus strand). Cytogenetic location: 5q14.1.
Variant type: single nucleotide variant.
Coding change: c.1006A>G on transcript NM_002439.5 (MANE Select); coding-DNA position 1006, A replaced by G.
Protein change: p.Lys336Glu; replaces lysine 336 with glutamic acid.
Molecular consequence: missense variant.
Genome position (GRCh38, 1-based): chr5:80,672,837, A>G. VCF-style: chr5-80672837-A-G. GRCh37 (hg19) VCF-style: chr5-79968656-A-G.
Other names: short protein forms K336E.
Identifiers: ClinVar variation 936722 (VCV000936722.13), dbSNP rs1749754065, ClinGen allele CA360267518.

ClinVar aggregate classification (germline): Uncertain significance. Review status: criteria provided, multiple submitters, no conflicts (2 of 4 stars). 2 submissions from 2 submitters: Uncertain significance (2). Last evaluated 2025-10-29.

Conditions:
Hereditary cancer-predisposing syndrome. Also called: Tumor predisposition; Hereditary neoplastic syndrome; Hereditary Cancer Syndrome; Neoplastic Syndromes, Hereditary. Identifiers: Orphanet 140162, MedGen C0027672, MeSH D009386, MONDO:0015356.

Allele frequency attached by ClinVar (database versions not stated): gnomAD exomes below 0.00001.
gnomAD v4.1: 1 of 1,612,478 alleles (0.000062%); highest among the groups gnomAD compares: Non-Finnish European, 0.000085%; no homozygotes.

Submissions (2):

Labcorp Genetics (formerly Invitae), Labcorp
Classification: Uncertain significance. Last evaluated: 2025-10-29. Review status: criteria provided, single submitter. Criteria: Invitae Variant Classification Sherloc (09022015). Collection method: clinical testing. Allele origin: germline.
Comment: This sequence change replaces lysine, which is basic and polar, with glutamic acid, which is acidic and polar, at codon 336 of the MSH3 protein (p.Lys336Glu). This variant is not present in population databases (gnomAD no frequency). This variant has not been reported in the literature in individuals affected with MSH3-related conditions. ClinVar contains an entry for this variant (Variation ID: 936722). An algorithm developed to predict the effect of missense changes on protein structure and function (PolyPhen-2) suggests that this variant is likely to be disruptive. In summary, the available evidence is currently insufficient to determine the role of this variant in disease. Therefore, it has been classified as a Variant of Uncertain Significance.

Ambry Genetics
Classification: Uncertain significance for Hereditary cancer-predisposing syndrome. Last evaluated: 2024-11-27. Review status: criteria provided, single submitter. Criteria: Ambry Variant Classification Scheme 2023. Collection method: clinical testing. Allele origin: germline.
Comment: The p.K336E variant (also known as c.1006A>G), located in coding exon 6 of the MSH3 gene, results from an A to G substitution at nucleotide position 1006. The lysine at codon 336 is replaced by glutamic acid, an amino acid with similar properties. This amino acid position is highly conserved in available vertebrate species. In addition, this alteration is predicted to be deleterious by in silico analysis. Based on the available evidence, the clinical significance of this variant remains unclear.